The following is an entry in ClinVar:

NM_000492.4(CFTR):c.3874-14_3874-10del

Gene: CFTR (CF transmembrane conductance regulator; plus strand). Cytogenetic location: 7q31.2.
Variant type: Microsatellite.
Coding change: c.3874-14_3874-10del on transcript NM_000492.4 (MANE Select); 14 bases into the intron before coding-DNA position 3874 through 10 bases into the intron before coding-DNA position 3874, 5 bases deleted (CTTTT; older notation c.3874-14_3874-10delCTTTT).
Molecular consequence: intron variant.
Genome position (GRCh38, 1-based): chr7:117,652,828-117,652,832, CTTTT deleted; deleting any 5 consecutive bases within chr7:117,652,821-117,652,832 gives the same sequence; the c. name uses the placement nearest the transcript's 3' end. VCF-style (leftmost placement, unchanged base first): chr7-117652820-CTTCTT-C. GRCh37 (hg19) VCF-style: chr7-117292874-CTTCTT-C.
Other names: c.3874-14_3874-10del5 (NM_000492.3).
Identifiers: ClinVar variation 2779493 (VCV002779493.4), dbSNP rs1339100336, ClinGen allele CA577225155.

ClinVar aggregate classification (germline): Likely benign. Review status: criteria provided, multiple submitters, no conflicts (2 of 4 stars). 2 submissions from 2 submitters: Likely benign (2). Last evaluated 2026-02-02.

Conditions:
CFTR-related disorder (CFTR-RD). Also called: CFTR-related disorders; CFTR-related condition. Identifiers: MedGen C5924204, MONDO:7770004.
Cystic fibrosis (CF). Also called: MUCOVISCIDOSIS. Identifiers: Orphanet 586, MedGen C0010674, MONDO:0009061, OMIM 219700. Disease mechanism: loss of function.

Submissions (2):

Labcorp Genetics (formerly Invitae), Labcorp
Classification: Likely benign for Cystic fibrosis. Last evaluated: 2026-02-02. Review status: criteria provided, single submitter. Criteria: Invitae Variant Classification Sherloc (09022015). Collection method: clinical testing. Allele origin: germline.

PreventionGenetics, part of Exact Sciences
Classification: Likely benign for CFTR-related condition. Last evaluated: 2024-10-07. Review status: criteria provided, single submitter. Criteria: ACMG Guidelines, 2015. Collection method: clinical testing. Allele origin: germline.
Comment: This variant is classified as likely benign based on ACMG/AMP sequence variant interpretation guidelines (Richards et al. 2015 PMID: 25741868, with internal and published modifications).